The following is an entry in ClinVar:

ClinVar aggregate classification (germline): Likely benign. Review status: criteria provided, multiple submitters, no conflicts (2 of 4 stars). 3 submissions from 3 submitters: Likely benign (3). Last evaluated 2026-03-04.

Conditions:
VCL-related disorder. Also called: VCL-related condition.
Cardiovascular phenotype. Identifiers: MedGen CN230736.
Dilated cardiomyopathy 1W (CMD1W). Identifiers: Orphanet 154, MedGen C1969639, MONDO:0012667, OMIM 611407.

Allele frequency attached by ClinVar (database versions not stated): gnomAD exomes below 0.00001 and 0.00001; ExAC 0.00001; ESP Exome Variant Server 0.00008; gnomAD 0.00008 and 0.00009; TOPMed 0.00008.
gnomAD v4.1: 19 of 1,613,896 alleles (0.0012%); highest among the groups gnomAD compares: African/African-American, 0.023%; no homozygotes.

Submissions (3):

PreventionGenetics, part of Exact Sciences
Classification: Likely benign for VCL-related condition. Last evaluated: 2026-03-04. Review status: criteria provided, single submitter. Criteria: ACMG Guidelines, 2015. Collection method: clinical testing. Allele origin: germline.
Comment: This variant is classified as likely benign based on ACMG/AMP sequence variant interpretation guidelines (Richards et al. 2015 PMID: 25741868, with internal and published modifications).

Labcorp Genetics (formerly Invitae), Labcorp
Classification: Likely benign for Dilated cardiomyopathy 1W. Last evaluated: 2025-12-31. Review status: criteria provided, single submitter. Criteria: Invitae Variant Classification Sherloc (09022015). Collection method: clinical testing. Allele origin: germline.

Ambry Genetics
Classification: Likely benign for Cardiovascular phenotype. Last evaluated: 2020-02-11. Review status: criteria provided, single submitter. Criteria: Ambry Variant Classification Scheme 2023. Collection method: clinical testing. Allele origin: germline.

NM_014000.3(VCL):c.3102G>A (p.Lys1034=)

Gene: VCL (vinculin; plus strand). Cytogenetic location: 10q22.2.
Variant type: single nucleotide variant.
Coding change: c.3102G>A on transcript NM_014000.3 (MANE Select); coding-DNA position 3102, G replaced by A.
Protein change: p.Lys1034=; no amino-acid change (lysine 1034 retained).
Molecular consequence: synonymous variant.
Genome position (GRCh38, 1-based): chr10:74,114,336, G>A. VCF-style: chr10-74114336-G-A. GRCh37 (hg19) VCF-style: chr10-75874094-G-A.
Other names: c.2898G>A, p.Lys966= (NM_003373.4).
Identifiers: ClinVar variation 468821 (VCV000468821.13), dbSNP rs373584575, ClinGen allele CA5563372.